The following is an entry in ClinVar:

ClinVar aggregate classification (germline): Uncertain significance (1 of 4 stars; one submission).

Allele frequency attached by ClinVar (database versions not stated): gnomAD 0.00001; gnomAD exomes below 0.00001; TOPMed below 0.00001.
gnomAD v4.1: 3 of 1,614,012 alleles (0.00019%); highest among the groups gnomAD compares: African/African-American, 0.0027%; no homozygotes.

Submission:

GeneDx
Classification: Uncertain significance. Last evaluated: 2019-03-31. Review status: criteria provided, single submitter. Criteria: GeneDx Variant Classification Process June 2021. Collection method: clinical testing. Allele origin: germline. Affected: yes.
Comment: Not observed in large population cohorts (Lek et al., 2016); In silico analysis, which includes protein predictors and evolutionary conservation, supports that this variant does not alter protein structure/function; In silico analysis, which includes splice predictors and evolutionary conservation, suggests this variant may impact gene splicing. In the absence of RNA/functional studies, the actual effect of this sequence change is unknown.; Has not been previously published as pathogenic or benign to our knowledge

NM_001256545.2(MEGF10):c.3055A>G (p.Ser1019Gly)

Gene: MEGF10 (multiple EGF like domains 10; plus strand). Cytogenetic location: 5q23.2.
Variant type: single nucleotide variant.
Coding change: c.3055A>G on transcript NM_001256545.2 (MANE Select); coding-DNA position 3055, A replaced by G.
Protein change: p.Ser1019Gly; replaces serine 1019 with glycine.
Molecular consequence: missense variant.
Genome position (GRCh38, 1-based): chr5:127,455,430, A>G. VCF-style: chr5-127455430-A-G. GRCh37 (hg19) VCF-style: chr5-126791122-A-G.
Other names: c.3055A>G, p.Ser1019Gly (NM_032446.3); short protein forms S1019G.
Identifiers: ClinVar variation 1308360 (VCV001308360.2), dbSNP rs1766320871, ClinGen allele CA360716309.